The following is an entry in ClinVar:

ClinVar aggregate classification (germline): Uncertain significance (1 of 4 stars; one submission).

Conditions:
Congenital myasthenic syndrome 4A. Also called: Myasthenic syndrome, congenital, 4a, slow-channel; MYASTHENIC SYNDROME, CONGENITAL, 4A, SLOW-CHANNEL, AUTOSOMAL RECESSIVE; CONGENITAL MYASTHENIC SYNDROME TYPE Ia1. Identifiers: Orphanet 590, MedGen C4225413, MONDO:0011600, OMIM 605809.

gnomAD v4.1: 1 of 1,606,428 alleles (0.000062%); highest among the groups gnomAD compares: Non-Finnish European, 0.000085%; no homozygotes.

Submission:

Labcorp Genetics (formerly Invitae), Labcorp
Classification: Uncertain significance for Congenital myasthenic syndrome 4A. Last evaluated: 2024-08-01. Review status: criteria provided, single submitter. Criteria: Invitae Variant Classification Sherloc (09022015). Collection method: clinical testing. Allele origin: germline.
Comment: This sequence change replaces histidine, which is basic and polar, with proline, which is neutral and non-polar, at codon 400 of the CHRNE protein (p.His400Pro). This variant is not present in population databases (gnomAD no frequency). This variant has not been reported in the literature in individuals affected with CHRNE-related conditions. Advanced modeling of protein sequence and biophysical properties (such as structural, functional, and spatial information, amino acid conservation, physicochemical variation, residue mobility, and thermodynamic stability) performed at Invitae indicates that this missense variant is not expected to disrupt CHRNE protein function with a negative predictive value of 95%. In summary, the available evidence is currently insufficient to determine the role of this variant in disease. Therefore, it has been classified as a Variant of Uncertain Significance.

NM_000080.4(CHRNE):c.1199A>C (p.His400Pro)

Genes: CHRNE (cholinergic receptor nicotinic epsilon subunit; minus strand), LOC130060040 (ATAC-STARR-seq lymphoblastoid silent region 8049; plus strand). Cytogenetic location: 17p13.2.
Variant type: single nucleotide variant.
Coding change: c.1199A>C on transcript NM_000080.4 (MANE Select); coding-DNA position 1199, A replaced by C.
Protein change: p.His400Pro; replaces histidine 400 with proline.
Molecular consequence: missense variant.
Genome position (GRCh38, 1-based): chr17:4,899,218, T>G on the plus strand (A>C on the coding strand, the complement: CHRNE is on the minus strand). VCF-style: chr17-4899218-T-G. GRCh37 (hg19) VCF-style: chr17-4802513-T-G.
Other names: short protein forms H400P.
Identifiers: ClinVar variation 3703251 (VCV003703251.2).
Genomic context (GRCh38, chr17:4,899,218, plus strand): 5'-CACCCCGCGCGGCCCCCCGGGCCAGGGCCACTGTGCTCACCCGTCCAGGTCCCCTGCCGG[T>G]GCCTCTGCCCCTCAAACACGAGCTCGCTCCGTGGCTTTTTCAGTATCAGCTCCTCCGCGC-3'
Protein context (NP_000071.1, residues 390-410): RSELVFEGQR[His400Pro]RQGTWTAAFC